The following is an entry in ClinVar:

ClinVar aggregate classification (germline): Conflicting classifications of pathogenicity. Review status: criteria provided, conflicting classifications (1 of 4 stars). 6 submissions from 6 submitters: Uncertain significance (2); Likely benign (1). 3 of the submissions do not count toward it. Last evaluated 2025-11-11.

Conditions:
PKD1-related disorder. Also called: PKD1-related condition.

Submissions (6):

GeneDx
Classification: Uncertain significance. Last evaluated: 2025-11-11. Review status: criteria provided, single submitter. Criteria: GeneDx Variant Classification Process June 2021. Collection method: clinical testing. Allele origin: germline. Affected: yes.
Comment: In-frame deletion of 3 amino acids in a non-repeat region; In silico analysis suggests that this variant does not alter protein structure/function; Has not been previously published as pathogenic or benign to our knowledge

Blueprint Genetics
Classification: Likely benign. Last evaluated: 2024-11-11. Review status: criteria provided, single submitter. Criteria: ACMG Guidelines, 2015. Collection method: clinical testing. Allele origin: germline.

Athena Diagnostics
Classification: Uncertain significance. Last evaluated: 2019-01-28. Review status: criteria provided, single submitter. Criteria: Athena Diagnostics Criteria. Collection method: clinical testing. Allele origin: germline.

PreventionGenetics, part of Exact Sciences
Classification: Likely benign for PKD1-related condition. Last evaluated: 2022-12-22. Review status: no assertion criteria provided. Collection method: clinical testing. Allele origin: germline. Not counted in ClinVar's aggregate classification.
Comment: This variant is classified as likely benign based on ACMG/AMP sequence variant interpretation guidelines (Richards et al. 2015 PMID: 25741868, with internal and published modifications).

Clinical Genetics DNA and cytogenetics Diagnostics Lab, Erasmus MC, Erasmus Medical Center
Classification: Likely benign. Review status: no assertion criteria provided. Collection method: clinical testing. Allele origin: germline. Affected: yes. Study: VKGL Data-share Consensus. Not counted in ClinVar's aggregate classification.

Diagnostic Laboratory, Department of Genetics, University Medical Center Groningen
Classification: Likely benign. Review status: no assertion criteria provided. Collection method: clinical testing. Allele origin: germline. Affected: yes. Study: VKGL Data-share Consensus. Not counted in ClinVar's aggregate classification.

NM_001009944.3(PKD1):c.8666_8674del (p.Ser2889_Ala2891del)

Gene: PKD1 (polycystin 1, transient receptor potential channel interacting; minus strand). Cytogenetic location: 16p13.3.
Variant type: Deletion.
Coding change: c.8666_8674del on transcript NM_001009944.3 (MANE Select); coding-DNA positions 8666 to 8674, 9 bases deleted (GCTCCGCCA; older notation c.8666_8674delGCTCCGCCA).
Protein change: p.Ser2889_Ala2891del.
Molecular consequence: inframe deletion.
Genome position (GRCh38, 1-based): chr16:2,103,383-2,103,391, TGGCGGAGC deleted on the plus strand (GCTCCGCCA on the coding strand, the reverse complement: PKD1 is on the minus strand); deleting any 9 consecutive bases within chr16:2,103,383-2,103,393 gives the same sequence; the c. name uses the placement nearest the transcript's 3' end. VCF-style (leftmost placement, unchanged base first): chr16-2103382-TTGGCGGAGC-T. GRCh37 (hg19) VCF-style: chr16-2153383-TTGGCGGAGC-T.
Other names: c.8666_8674del, p.Ser2889_Ala2891del (NM_000296.4); c.8666_8674del9 (NM_001009944.2).
Identifiers: ClinVar variation 805189 (VCV000805189.11), dbSNP rs771434359, ClinGen allele CA7830428.